The following is an entry in ClinVar:

ClinVar aggregate classification (germline): Uncertain significance. Review status: criteria provided, multiple submitters, no conflicts (2 of 4 stars). 3 submissions from 3 submitters: Uncertain significance (2). 1 of the submissions does not count toward it. Last evaluated 2026-01-10.

Conditions:
Hereditary cancer-predisposing syndrome. Also called: Hereditary neoplastic syndrome; Neoplastic Syndromes, Hereditary; Tumor predisposition; Hereditary Cancer Syndrome. Identifiers: Orphanet 140162, MedGen C0027672, MeSH D009386, MONDO:0015356.
Familial adenomatous polyposis 1 (FAP1). Also called: FAMILIAL ADENOMATOUS POLYPOSIS 1, ATTENUATED; POLYPOSIS, ADENOMATOUS INTESTINAL. Identifiers: MedGen C2713442, MONDO:0021056, OMIM 175100. Disease mechanism: loss of function.

Submissions (3):

Labcorp Genetics (formerly Invitae), Labcorp
Classification: Uncertain significance for Familial adenomatous polyposis 1. Last evaluated: 2026-01-10. Review status: criteria provided, single submitter. Criteria: Invitae Variant Classification Sherloc (09022015). Collection method: clinical testing. Allele origin: germline.
Comment: This sequence change replaces methionine, which is neutral and non-polar, with isoleucine, which is neutral and non-polar, at codon 431 of the APC protein (p.Met431Ile). This variant is not present in population databases (gnomAD no frequency). This variant has not been reported in the literature in individuals affected with APC-related conditions. ClinVar contains an entry for this variant (Variation ID: 184925). Invitae Evidence Modeling of protein sequence and biophysical properties (such as structural, functional, and spatial information, amino acid conservation, physicochemical variation, residue mobility, and thermodynamic stability) indicates that this missense variant is not expected to disrupt APC protein function with a negative predictive value of 95%. In summary, the available evidence is currently insufficient to determine the role of this variant in disease. Therefore, it has been classified as a Variant of Uncertain Significance.

Ambry Genetics
Classification: Uncertain significance for Hereditary cancer-predisposing syndrome. Last evaluated: 2014-05-01. Review status: criteria provided, single submitter. Criteria: Ambry Autosomal Dominant and X-Linked criteria (10/2015). Collection method: clinical testing. Allele origin: germline. Observed: 1 variant allele.
Comment: The p.M431I variant (also known as c.1293G>A), located in coding exon 9 of the APC gene, results from a G to A substitution at nucleotide position 1293. The methionine at codon 431 is replaced by isoleucine, an amino acid with highly similar properties. This variant was not reported in population based cohorts in the following databases: Database of Single Nucleotide Polymorphisms (dbSNP), NHLBI Exome Sequencing Project (ESP), and 1000 Genomes Project. To date, this alteration has been detected with an allele frequency of approximately 0.01% (greater than 9500 alleles tested) in our clinical cohort (includes this individual). This amino acid position is well conserved in available vertebrate species. In addition, this alteration is predicted to be benign and tolerated by PolyPhen and SIFT in silico analyses, respectively. Since supporting evidence is limited at this time, the clinical significance of p.M431I remains unclear.

Department of Pathology and Laboratory Medicine, Sinai Health System
Classification: Uncertain significance. Review status: no assertion criteria provided. Collection method: clinical testing. Allele origin: unknown. Affected: yes. Study: The Canadian Open Genetics Repository (COGR). Not counted in ClinVar's aggregate classification.

NM_000038.6(APC):c.1293G>A (p.Met431Ile)

Gene: APC (APC regulator of Wnt signaling pathway; plus strand). Cytogenetic location: 5q22.2.
Variant type: single nucleotide variant.
Coding change: c.1293G>A on transcript NM_000038.6 (MANE Select); coding-DNA position 1293, G replaced by A.
Protein change: p.Met431Ile; replaces methionine 431 with isoleucine.
Molecular consequence: missense variant.
Genome position (GRCh38, 1-based): chr5:112,819,325, G>A. VCF-style: chr5-112819325-G-A. GRCh37 (hg19) VCF-style: chr5-112155022-G-A.
Other names: c.1293G>A, p.Met431Ile (NM_001127510.3, NM_001354895.2, NM_001354896.2); c.1239G>A, p.Met413Ile (NM_001127511.3); c.1323G>A, p.Met441Ile (NM_001354897.2); c.1218G>A, p.Met406Ile (NM_001354898.2); c.1209G>A, p.Met403Ile (NM_001354899.2); c.1116G>A, p.Met372Ile (NM_001354900.2, NM_001354901.2); c.1020G>A, p.Met340Ile (NM_001354902.2); c.990G>A, p.Met330Ile (NM_001354903.2); and 3 more; short protein forms M413I, M431I, M305I, M340I, M148I, M403I, M441I, M330I.
Identifiers: ClinVar variation 184925 (VCV000184925.5), dbSNP rs786201795, ClinGen allele CA004138.